The following is an entry in ClinVar:

NM_000642.3(AGL):c.2800G>A (p.Ala934Thr)

Gene: AGL (amylo-alpha-1,6-glucosidase and 4-alpha-glucanotransferase; plus strand). Cytogenetic location: 1p21.2.
Variant type: single nucleotide variant.
Coding change: c.2800G>A on transcript NM_000642.3 (MANE Select); coding-DNA position 2800, G replaced by A.
Protein change: p.Ala934Thr; replaces alanine 934 with threonine.
Molecular consequence: missense variant.
Genome position (GRCh38, 1-based): chr1:99,888,096, G>A. VCF-style: chr1-99888096-G-A. GRCh37 (hg19) VCF-style: chr1-100353652-G-A.
Other names: c.2800G>A, p.Ala934Thr (NM_000028.3, NM_000643.3, NM_000644.3 and 2 more transcripts); c.2752G>A, p.Ala918Thr (NM_000646.3); c.2599G>A, p.Ala867Thr (NM_001425327.1); c.2596G>A, p.Ala866Thr (NM_001425328.1); c.2461G>A, p.Ala821Thr (NM_001425329.1); c.2422G>A, p.Ala808Thr (NM_001425332.1); short protein forms A918T, A934T, A808T, A821T, A866T, A867T.
Identifiers: ClinVar variation 1497125 (VCV001497125.6), dbSNP rs1652588223, ClinGen allele CA341323285.

ClinVar aggregate classification (germline): Uncertain significance (1 of 4 stars; one submission).

Conditions:
Glycogen storage disease type III (GSD3). Also called: Cori disease; FORBES DISEASE. Identifiers: Orphanet 366, MedGen C0017922, MONDO:0009291, OMIM 232400.

Allele frequency attached by ClinVar (database versions not stated): TOPMed below 0.00001; gnomAD 0.00001.

Submission:

Labcorp Genetics (formerly Invitae), Labcorp
Classification: Uncertain significance for Glycogen storage disease type III. Last evaluated: 2021-11-24. Review status: criteria provided, single submitter. Criteria: Invitae Variant Classification Sherloc (09022015). Collection method: clinical testing. Allele origin: germline.
Comment: This variant has not been reported in the literature in individuals affected with AGL-related conditions. In summary, the available evidence is currently insufficient to determine the role of this variant in disease. Therefore, it has been classified as a Variant of Uncertain Significance. Algorithms developed to predict the effect of missense changes on protein structure and function are either unavailable or do not agree on the potential impact of this missense change (SIFT: "Deleterious"; PolyPhen-2: "Benign"; Align-GVGD: "Class C0"). This variant is not present in population databases (gnomAD no frequency). This sequence change replaces alanine, which is neutral and non-polar, with threonine, which is neutral and polar, at codon 934 of the AGL protein (p.Ala934Thr).